The following is an entry in ClinVar:

ClinVar aggregate classification (germline): Likely benign. Review status: criteria provided, multiple submitters, no conflicts (2 of 4 stars). 2 submissions from 2 submitters: Likely benign (2). Last evaluated 2025-11-17.

Conditions:
Duchenne muscular dystrophy (DMD). Also called: MUSCULAR DYSTROPHY, PSEUDOHYPERTROPHIC PROGRESSIVE, DUCHENNE TYPE; Duchenne Muscular Dystrophy (DMD). Identifiers: Orphanet 98896, MedGen C0013264, MONDO:0010679, OMIM 310200.

Allele frequency attached by ClinVar (database versions not stated): gnomAD exomes 0.00001; gnomAD 0.00006 and 0.00007; TOPMed 0.00006; ESP Exome Variant Server 0.00009.
gnomAD v4.1: 10 of 1,190,291 alleles (0.00084%); highest among the groups gnomAD compares: African/African-American, 0.018%; no homozygotes.

Submissions (2):

Labcorp Genetics (formerly Invitae), Labcorp
Classification: Likely benign for Duchenne muscular dystrophy. Last evaluated: 2025-11-17. Review status: criteria provided, single submitter. Criteria: Invitae Variant Classification Sherloc (09022015). Collection method: clinical testing. Allele origin: germline.

GeneDx
Classification: Likely benign. Last evaluated: 2016-11-16. Review status: criteria provided, single submitter. Criteria: GeneDx Variant Classification (06012015). Collection method: clinical testing. Allele origin: germline. Affected: yes.
Comment: This variant is considered likely benign or benign based on one or more of the following criteria: it is a conservative change, it occurs at a poorly conserved position in the protein, it is predicted to be benign by multiple in silico algorithms, and/or has population frequency not consistent with disease.

NM_004006.3(DMD):c.3604-14T>C

Gene: DMD (dystrophin; minus strand). Cytogenetic location: Xp21.1.
Variant type: single nucleotide variant.
Coding change: c.3604-14T>C on transcript NM_004006.3 (MANE Select); 14 bases into the intron before coding-DNA position 3604, T replaced by C.
Molecular consequence: intron variant.
Genome position (GRCh38, 1-based): chrX:32,448,652, A>G on the plus strand (T>C on the coding strand, the complement: DMD is on the minus strand). VCF-style: chrX-32448652-A-G. GRCh37 (hg19) VCF-style: chrX-32466769-A-G.
Other names: c.3592-14T>C (NM_004009.3); c.3235-14T>C (NM_004010.3); c.3580-14T>C (NM_000109.4).
Identifiers: ClinVar variation 390853 (VCV000390853.9), dbSNP rs370687867, ClinGen allele CA16609179.
Genomic context (GRCh38, chrX:32,448,652, plus strand): 5'-AGGAGTTTCACTTTCGCTTCTTTTTGTTGGGCCTCTTCTTTAGCTCTCTGAAAAATAAAG[A>G]ATGCTCTCTTAATAGCATGAAAATAACTTTACATCCAAAATGCATTTCTATGAATCATAT-3'